The following is an entry in ClinVar:

NM_001271.4(CHD2):c.4995T>C (p.Tyr1665=)

Gene: CHD2 (chromodomain helicase DNA binding protein 2; plus strand). Cytogenetic location: 15q26.1.
Variant type: single nucleotide variant.
Coding change: c.4995T>C on transcript NM_001271.4 (MANE Select); coding-DNA position 4995, T replaced by C.
Protein change: p.Tyr1665=; no amino-acid change (tyrosine 1665 retained).
Molecular consequence: synonymous variant.
Genome position (GRCh38, 1-based): chr15:93,020,100, T>C. VCF-style: chr15-93020100-T-C. GRCh37 (hg19) VCF-style: chr15-93563330-T-C.
Identifiers: ClinVar variation 510575 (VCV000510575.3), dbSNP rs1555446313, ClinGen allele CA492687912.

ClinVar aggregate classification (germline): Likely benign. Review status: criteria provided, multiple submitters, no conflicts (2 of 4 stars). 2 submissions from 2 submitters: Likely benign (2). Last evaluated 2025-10-13.

Conditions:
Developmental and epileptic encephalopathy 94 (DEE94). Also called: CHD2-Related Neurodevelopmental Disorders; Epileptic encephalopathy, childhood-onset. Identifiers: Orphanet 1942, Orphanet 2382, MedGen C3809278, MONDO:0014150, OMIM 615369.

Submissions (2):

Labcorp Genetics (formerly Invitae), Labcorp
Classification: Likely benign for Developmental and epileptic encephalopathy 94. Last evaluated: 2025-10-13. Review status: criteria provided, single submitter. Criteria: Invitae Variant Classification Sherloc (09022015). Collection method: clinical testing. Allele origin: germline.

GeneDx
Classification: Likely benign. Last evaluated: 2017-07-07. Review status: criteria provided, single submitter. Criteria: GeneDx Variant Classification (06012015). Collection method: clinical testing. Allele origin: germline. Affected: yes.
Comment: This variant is considered likely benign or benign based on one or more of the following criteria: it is a conservative change, it occurs at a poorly conserved position in the protein, it is predicted to be benign by multiple in silico algorithms, and/or has population frequency not consistent with disease.